The following is an entry in ClinVar:

ClinVar aggregate classification (germline): Likely benign (1 of 4 stars; one submission).

Conditions:
Joubert syndrome 14 (JBTS14). Identifiers: MedGen C3280766, MONDO:0013745, OMIM 614424.

Allele frequency attached by ClinVar (database versions not stated): gnomAD 0.00204 and 0.00207; TOPMed 0.00217; 1000 Genomes Project 0.00280; 1000 Genomes Project 30x 0.00312.

Submission:

Illumina Laboratory Services, Illumina
Classification: Likely benign for Joubert syndrome 14. Last evaluated: 2018-01-12. Review status: criteria provided, single submitter. Criteria: ICSL Variant Classification Criteria 13 December 2019. Collection method: clinical testing. Allele origin: germline.
Comment: This variant was observed in the ICSL laboratory as part of a predisposition screen in an ostensibly healthy population. It had not been previously curated by ICSL or reported in the Human Gene Mutation Database (HGMD: prior to June 1st, 2018), and was therefore a candidate for classification through an automated scoring system. Utilizing variant allele frequency, disease prevalence and penetrance estimates, and inheritance mode, an automated score was calculated to assess if this variant is too frequent to cause the disease. Based on the score and internal cut-off values, a variant classified as likely benign is not then subjected to further curation. The score for this variant resulted in a classification of likely benign for this disease.

NM_001044385.3(TMEM237):c.*634C>T

Gene: TMEM237 (transmembrane protein 237; minus strand). Cytogenetic location: 2q33.1.
Variant type: single nucleotide variant.
Coding change: c.*634C>T on transcript NM_001044385.3 (MANE Select); 634 bases downstream of the stop codon, C replaced by T.
Molecular consequence: 3 prime UTR variant.
Genome position (GRCh38, 1-based): chr2:201,623,621, G>A on the plus strand (C>T on the coding strand, the complement: TMEM237 is on the minus strand). VCF-style: chr2-201623621-G-A. GRCh37 (hg19) VCF-style: chr2-202488344-G-A.
Other names: c.*634C>T (NM_152388.4).
Identifiers: ClinVar variation 897789 (VCV000897789.4), dbSNP rs139016907, ClinGen allele CA63949683.